The following is an entry in ClinVar:

ClinVar aggregate classification (germline): Uncertain significance (1 of 4 stars; one submission).

Conditions:
X-linked Alport syndrome (ATS1). Also called: NEPHROPATHY AND DEAFNESS, X-LINKED; COL4A5-Related Nephropathy. Identifiers: Orphanet 63, Orphanet 88917, MedGen C4746986, MONDO:0010520, OMIM 301050.

Submission:

Juno Genomics, Hangzhou Juno Genomics, Inc
Classification: Uncertain significance for X-linked Alport syndrome. Review status: criteria provided, single submitter. Criteria: ACMG Guidelines, 2015. Collection method: clinical testing. Allele origin: germline. Affected: yes.
Comment: Absent from controls (or at extremely low frequency if recessive) in Genome Aggregation Database, Exome Sequencing Project, 1000 Genomes Project, or Exome Aggregation Consortium.;Multiple lines of computational evidence support a deleterious effect on the gene or gene product (conservation, evolutionary, splicing impact, etc).;Patient's phenotype or family history is highly specific for a disease with a single genetic etiology.

NM_033380.3(COL4A5):c.4070G>T (p.Gly1357Val)

Gene: COL4A5 (collagen type IV alpha 5 chain; plus strand). Cytogenetic location: Xq22.3.
Variant type: single nucleotide variant.
Coding change: c.4070G>T on transcript NM_033380.3 (MANE Select); coding-DNA position 4070, G replaced by T.
Protein change: p.Gly1357Val; replaces glycine 1357 with valine.
Molecular consequence: missense variant.
Genome position (GRCh38, 1-based): chrX:108,680,939, G>T. VCF-style: chrX-108680939-G-T. GRCh37 (hg19) VCF-style: chrX-107924169-G-T.
Other names: c.4052G>T, p.Gly1351Val (NM_000495.5); short protein forms G1351V, G1357V.
Identifiers: ClinVar variation 3382454 (VCV003382454.2).